The following is an entry in ClinVar:

NM_014727.3(KMT2B):c.6028G>C (p.Ala2010Pro)

Gene: KMT2B (lysine methyltransferase 2B; plus strand). Cytogenetic location: 19q13.12.
Variant type: single nucleotide variant.
Coding change: c.6028G>C on transcript NM_014727.3 (MANE Select); coding-DNA position 6028, G replaced by C.
Protein change: p.Ala2010Pro; replaces alanine 2010 with proline.
Molecular consequence: missense variant.
Genome position (GRCh38, 1-based): chr19:35,732,577, G>C. VCF-style: chr19-35732577-G-C. GRCh37 (hg19) VCF-style: chr19-36223478-G-C.
Other names: short protein forms A2010P.
Identifiers: ClinVar variation 2874848 (VCV002874848.3), dbSNP rs548255667, ClinGen allele CA307796111.

ClinVar aggregate classification (germline): Uncertain significance (1 of 4 stars; one submission).

Submission:

Labcorp Genetics (formerly Invitae), Labcorp
Classification: Uncertain significance. Last evaluated: 2024-01-08. Review status: criteria provided, single submitter. Criteria: Invitae Variant Classification Sherloc (09022015). Collection method: clinical testing. Allele origin: germline.
Comment: This sequence change replaces alanine, which is neutral and non-polar, with proline, which is neutral and non-polar, at codon 2010 of the KMT2B protein (p.Ala2010Pro). This variant is not present in population databases (gnomAD no frequency). This variant has not been reported in the literature in individuals affected with KMT2B-related conditions. Advanced modeling of protein sequence and biophysical properties (such as structural, functional, and spatial information, amino acid conservation, physicochemical variation, residue mobility, and thermodynamic stability) performed at Invitae indicates that this missense variant is not expected to disrupt KMT2B protein function with a negative predictive value of 95%. In summary, the available evidence is currently insufficient to determine the role of this variant in disease. Therefore, it has been classified as a Variant of Uncertain Significance.